The following is an entry in ClinVar:

NM_005535.3(IL12RB1):c.1791+1G>C

Gene: IL12RB1 (interleukin 12 receptor subunit beta 1; minus strand). Cytogenetic location: 19p13.11.
Variant type: single nucleotide variant.
Coding change: c.1791+1G>C on transcript NM_005535.3 (MANE Select); the canonical splice donor site of the intron after coding-DNA position 1791, G replaced by C.
Molecular consequence: splice donor variant.
Genome position (GRCh38, 1-based): chr19:18,061,121, C>G on the plus strand (G>C on the coding strand, the complement: IL12RB1 is on the minus strand). VCF-style: chr19-18061121-C-G. GRCh37 (hg19) VCF-style: chr19-18171931-C-G.
Other names: c.1911+1G>C (NM_001290024.2); c.1791+1G>C (NM_001290023.2); c.1812+1G>C (NM_001440425.1, NM_001440424.1).
Identifiers: ClinVar variation 2812854 (VCV002812854.3), dbSNP rs781467490, ClinGen allele CA404775642.

ClinVar aggregate classification (germline): Pathogenic (1 of 4 stars; one submission).

Conditions:
Mendelian susceptibility to mycobacterial diseases due to complete IL12RB1 deficiency. Also called: Immunodeficiency 30; IL12RB1 DEFICIENCY. Identifiers: Orphanet 319552, MedGen C4013949, MONDO:0013955, OMIM 614891.

Submission:

Labcorp Genetics (formerly Invitae), Labcorp
Classification: Pathogenic for Mendelian susceptibility to mycobacterial diseases due to complete IL12RB1 deficiency. Last evaluated: 2022-11-08. Review status: criteria provided, single submitter. Criteria: Invitae Variant Classification Sherloc (09022015). Collection method: clinical testing. Allele origin: germline.
Comment: This variant is not present in population databases (gnomAD no frequency). This sequence change affects a donor splice site in intron 15 of the IL12RB1 gene. It is expected to disrupt RNA splicing. Variants that disrupt the donor or acceptor splice site typically lead to a loss of protein function (PMID: 16199547), and loss-of-function variants in IL12RB1 are known to be pathogenic (PMID: 9603733, 12591909). Disruption of this splice site has been observed in individual(s) with IL12RB1-related conditions (PMID: 12591909). Algorithms developed to predict the effect of sequence changes on RNA splicing suggest that this variant may disrupt the consensus splice site. For these reasons, this variant has been classified as Pathogenic.

Literature cited by the submitters: PubMed 16199547; PubMed 9603733; PubMed 12591909.